The following is an entry in ClinVar:

NM_007126.5(VCP):c.2134G>C (p.Glu712Gln)

Gene: VCP (valosin containing protein; minus strand). Cytogenetic location: 9p13.3.
Variant type: single nucleotide variant.
Coding change: c.2134G>C on transcript NM_007126.5 (MANE Select); coding-DNA position 2134, G replaced by C.
Protein change: p.Glu712Gln; replaces glutamic acid 712 with glutamine.
Molecular consequence: missense variant.
Genome position (GRCh38, 1-based): chr9:35,059,090, C>G on the plus strand (G>C on the coding strand, the complement: VCP is on the minus strand). VCF-style: chr9-35059090-C-G. GRCh37 (hg19) VCF-style: chr9-35059087-C-G.
Other names: c.1999G>C, p.Glu667Gln (NM_001354927.2, NM_001354928.2); short protein forms E667Q, E712Q.
Identifiers: ClinVar variation 2047295 (VCV002047295.4), dbSNP rs2490345881, ClinGen allele CA373273361.

ClinVar aggregate classification (germline): Uncertain significance (1 of 4 stars; one submission).

Conditions:
Inclusion body myopathy with Paget disease of bone and frontotemporal dementia. Also called: Inclusion body myopathy with early-onset Paget disease and frontotemporal dementia. Identifiers: Orphanet 52430, MedGen C1833662, MONDO:0000507.
Frontotemporal dementia and/or amyotrophic lateral sclerosis 6 (FTDALS6). Also called: VCP-Related Amyotrophic Lateral Sclerosis; VCP-Related Amyotrophic Lateral Sclerosis/Frontotemporal Dementia. Identifiers: Orphanet 275872, Orphanet 803, MedGen C5436279, MONDO:0013501, OMIM 613954.

Submission:

Labcorp Genetics (formerly Invitae), Labcorp
Classification: Uncertain significance for Inclusion body myopathy with Paget disease of bone and frontotemporal dementia; Frontotemporal dementia and/or amyotrophic lateral sclerosis 6. Last evaluated: 2022-06-08. Review status: criteria provided, single submitter. Criteria: Invitae Variant Classification Sherloc (09022015). Collection method: clinical testing. Allele origin: germline.
Comment: In summary, the available evidence is currently insufficient to determine the role of this variant in disease. Therefore, it has been classified as a Variant of Uncertain Significance. Advanced modeling of protein sequence and biophysical properties (such as structural, functional, and spatial information, amino acid conservation, physicochemical variation, residue mobility, and thermodynamic stability) performed at Invitae indicates that this missense variant is not expected to disrupt VCP protein function. This variant has not been reported in the literature in individuals affected with VCP-related conditions. This variant is not present in population databases (gnomAD no frequency). This sequence change replaces glutamic acid, which is acidic and polar, with glutamine, which is neutral and polar, at codon 712 of the VCP protein (p.Glu712Gln).